The following is an entry in ClinVar:

NM_006329.4(FBLN5):c.1325A>G (p.Tyr442Cys)

Gene: FBLN5 (fibulin 5; minus strand). Cytogenetic location: 14q32.12.
Variant type: single nucleotide variant.
Coding change: c.1325A>G on transcript NM_006329.4 (MANE Select); coding-DNA position 1325, A replaced by G.
Protein change: p.Tyr442Cys; replaces tyrosine 442 with cysteine.
Molecular consequence: missense variant. On other transcripts: 3 prime UTR variant (2).
Genome position (GRCh38, 1-based): chr14:91,870,246, T>C on the plus strand (A>G on the coding strand, the complement: FBLN5 is on the minus strand). VCF-style: chr14-91870246-T-C. GRCh37 (hg19) VCF-style: chr14-92336590-T-C.
Other names: c.1448A>G, p.Tyr483Cys (NM_001384158.1); c.1376A>G, p.Tyr459Cys (NM_001384159.1); c.*109A>G (NM_001384160.1, NM_001384161.1); c.1157A>G, p.Tyr386Cys (NM_001384162.1); short protein forms Y386C, Y483C, Y442C, Y459C.
Identifiers: ClinVar variation 4702444 (VCV004702444.1).
Genomic context (GRCh38, chr14:91,870,246, plus strand): 5'-GCCAATGAGAGGCAGCGTCGGAGGCTCCAGCCCGAGGCTCAGAATGGGTACTGCGACACA[T>C]ATATCCGCAGTCGGATCACGGAGCTGCCTCTGAAGTTGATGACAGTGTTGACAGTGATCA-3'
Protein context (NP_006320.2, residues 432-448): RGSSVIRLRI[Tyr442Cys]VSQYPF

ClinVar aggregate classification (germline): Uncertain significance (1 of 4 stars; one submission).

Submission:

Labcorp Genetics (formerly Invitae), Labcorp
Classification: Uncertain significance. Last evaluated: 2025-10-21. Review status: criteria provided, single submitter. Criteria: Invitae Variant Classification Sherloc (09022015). Collection method: clinical testing. Allele origin: germline.
Comment: This sequence change replaces tyrosine, which is neutral and polar, with cysteine, which is neutral and slightly polar, at codon 442 of the FBLN5 protein (p.Tyr442Cys). This variant is present in population databases (rs779833109, gnomAD 0.0009%). This variant has not been reported in the literature in individuals affected with FBLN5-related conditions. Invitae Evidence Modeling of protein sequence and biophysical properties (such as structural, functional, and spatial information, amino acid conservation, physicochemical variation, residue mobility, and thermodynamic stability) has been performed for this missense variant. However, the output from this modeling did not meet the statistical confidence thresholds required to predict the impact of this variant on FBLN5 protein function. In summary, the available evidence is currently insufficient to determine the role of this variant in disease. Therefore, it has been classified as a Variant of Uncertain Significance.